The following is an entry in ClinVar:

NM_001355436.2(SPTB):c.647+1G>A

Gene: SPTB (spectrin beta, erythrocytic; minus strand). Cytogenetic location: 14q23.3.
Variant type: single nucleotide variant.
Coding change: c.647+1G>A on transcript NM_001355436.2 (MANE Select); the canonical splice donor site of the intron after coding-DNA position 647, G replaced by A.
Molecular consequence: splice donor variant.
Genome position (GRCh38, 1-based): chr14:64,801,753, C>T on the plus strand (G>A on the coding strand, the complement: SPTB is on the minus strand). VCF-style: chr14-64801753-C-T. GRCh37 (hg19) VCF-style: chr14-65268471-C-T.
Other names: c.647+1G>A (NM_001024858.4, NM_001355437.2).
Identifiers: ClinVar variation 2584928 (VCV002584928.2), dbSNP rs2503210409, ClinGen allele CA390031876.

ClinVar aggregate classification (germline): Likely pathogenic. Review status: criteria provided, multiple submitters, no conflicts (2 of 4 stars). 2 submissions from 2 submitters: Likely pathogenic (2). Last evaluated 2024-08-15.

Conditions:
Hereditary spherocytosis type 2. Also called: SPHEROCYTOSIS, TYPE 2, AUTOSOMAL DOMINANT. Identifiers: Orphanet 822, MedGen C2674219, MONDO:0000913, OMIM 616649.

Submissions (2):

Revvity Omics, Revvity
Classification: Likely pathogenic. Last evaluated: 2024-08-15. Review status: criteria provided, single submitter. Criteria: ACMG Guidelines, 2015. Collection method: clinical testing. Allele origin: germline.

Neuberg Centre For Genomic Medicine, NCGM
Classification: Likely pathogenic for Hereditary spherocytosis type 2. Review status: criteria provided, single submitter. Criteria: ACMG Guidelines, 2015. Collection method: clinical testing. Allele origin: germline. Inheritance: Autosomal dominant inheritance. Affected: yes.
Comment: The c.647+1G>A splice site variant in SPTB gene has not been reported previously as a pathogenic variant nor as a benign variant, to our knowledge. The c.647+1G>A variant is novel (not in any individuals) in gnomAD Exomes and 1000 Genomes. Loss of function variants have been previously reported to be disease causing. For these reasons, this variant has been classified as Likely Pathogenic.